The following is an entry in ClinVar:

NM_005188.4(CBL):c.2215T>C (p.Ser739Pro)

Gene: CBL (Cbl proto-oncogene; plus strand). Cytogenetic location: 11q23.3.
Variant type: single nucleotide variant.
Coding change: c.2215T>C on transcript NM_005188.4 (MANE Select); coding-DNA position 2215, T replaced by C.
Protein change: p.Ser739Pro; replaces serine 739 with proline.
Molecular consequence: missense variant.
Genome position (GRCh38, 1-based): chr11:119,297,445, T>C. VCF-style: chr11-119297445-T-C. GRCh37 (hg19) VCF-style: chr11-119168155-T-C.
Other names: short protein forms S739P.
Identifiers: ClinVar variation 3996000 (VCV003996000.1).

ClinVar aggregate classification (germline): Uncertain significance (1 of 4 stars; one submission).

Conditions:
Cardiovascular phenotype. Identifiers: MedGen CN230736.

Submission:

Ambry Genetics
Classification: Uncertain significance for Cardiovascular phenotype. Last evaluated: 2025-04-03. Review status: criteria provided, single submitter. Criteria: Ambry Variant Classification Scheme 2023. Collection method: clinical testing. Allele origin: germline.
Comment: The p.S739P variant (also known as c.2215T>C), located in coding exon 14 of the CBL gene, results from a T to C substitution at nucleotide position 2215. The serine at codon 739 is replaced by proline, an amino acid with similar properties. This amino acid position is conserved. In addition, this alteration is predicted to be tolerated by in silico analysis. Based on the available evidence, the clinical significance of this variant remains unclear.